The following is an entry in ClinVar:

NM_000742.4(CHRNA2):c.294+28G>A

Gene: CHRNA2 (cholinergic receptor nicotinic alpha 2 subunit; minus strand). Cytogenetic location: 8p21.2.
Variant type: single nucleotide variant.
Coding change: c.294+28G>A on transcript NM_000742.4 (MANE Select); 28 bases into the intron after coding-DNA position 294, G replaced by A.
Molecular consequence: intron variant.
Genome position (GRCh38, 1-based): chr8:27,469,733, C>T on the plus strand (G>A on the coding strand, the complement: CHRNA2 is on the minus strand). VCF-style: chr8-27469733-C-T. GRCh37 (hg19) VCF-style: chr8-27327250-C-T.
Other names: c.-179+73G>A (NM_001347705.2); c.249+73G>A (NM_001282455.2); c.-168+28G>A (NM_001347708.2); c.-179+28G>A (NM_001347706.2); c.-165+73G>A (NM_001347707.2).
Identifiers: ClinVar variation 674473 (VCV000674473.33), dbSNP rs376078367, ClinGen allele CA4689726.
Genomic context (GRCh38, chr8:27,469,733, plus strand): 5'-AGGGCTGGGGTAGAGGAAGGAGCAGGGGGAAAGCGGTGGGTGGTCTGGGATCTCCTTCCT[C>T]GGGCCAGCGGTGGGAAGACAGGCGCACCACATCGATGAGCTGAGCGATGGACAGTCCAAA-3'

ClinVar aggregate classification (germline): Benign/Likely benign. Review status: criteria provided, multiple submitters, no conflicts (2 of 4 stars). 3 submissions from 3 submitters: Benign (1); Likely benign (2). Last evaluated 2026-06-01.

Allele frequency attached by ClinVar (database versions not stated): ESP Exome Variant Server 0.00054; gnomAD 0.00072 and 0.00101; TOPMed 0.00077; 1000 Genomes Project 30x 0.00125; 1000 Genomes Project 0.00160.
gnomAD v4.1: 2,146 of 1,613,396 alleles (0.13%); highest among the groups gnomAD compares: South Asian, 1.1%; 16 homozygotes.

Submissions (3):

CeGaT Center for Human Genetics Tuebingen
Classification: Benign. Last evaluated: 2026-06-01. Review status: criteria provided, single submitter. Criteria: CeGaT Center For Human Genetics Tuebingen Variant Classification Criteria Version 2. Collection method: clinical testing. Allele origin: germline. Affected: yes. Observed: 4 variant alleles.
Comment: CHRNA2: BS1, BS2

GeneDx
Classification: Likely benign. Last evaluated: 2018-06-14. Review status: criteria provided, single submitter. Criteria: GeneDx Variant Classification (06012015). Collection method: clinical testing. Allele origin: germline. Affected: yes.
Comment: This variant is considered likely benign or benign based on one or more of the following criteria: it is a conservative change, it occurs at a poorly conserved position in the protein, it is predicted to be benign by multiple in silico algorithms, and/or has population frequency not consistent with disease.

Breakthrough Genomics
Classification: Likely benign. Review status: criteria provided, single submitter. Criteria: ACMG Guidelines, 2015. Collection method: not provided. Allele origin: germline. Inheritance: Autosomal dominant inheritance. Affected: yes.